The following is an entry in ClinVar:

NM_004168.4(SDHA):c.731T>G (p.Ile244Ser)

Gene: SDHA (succinate dehydrogenase complex flavoprotein subunit A; plus strand). Cytogenetic location: 5p15.33.
Variant type: single nucleotide variant.
Coding change: c.731T>G on transcript NM_004168.4 (MANE Select); coding-DNA position 731, T replaced by G.
Protein change: p.Ile244Ser; replaces isoleucine 244 with serine.
Molecular consequence: missense variant.
Genome position (GRCh38, 1-based): chr5:228,294, T>G. VCF-style: chr5-228294-T-G. GRCh37 (hg19) VCF-style: chr5-228409-T-G.
Other names: c.587T>G, p.Ile196Ser (NM_001294332.2); c.731T>G, p.Ile244Ser (NM_001330758.2); short protein forms I196S, I244S.
Identifiers: ClinVar variation 3951343 (VCV003951343.2).

ClinVar aggregate classification (germline): Uncertain significance (1 of 4 stars; one submission).

Conditions:
Hereditary cancer-predisposing syndrome. Also called: Hereditary Cancer Syndrome; Hereditary neoplastic syndrome; Neoplastic Syndromes, Hereditary; Tumor predisposition. Identifiers: Orphanet 140162, MedGen C0027672, MeSH D009386, MONDO:0015356.

Submission:

Ambry Genetics
Classification: Uncertain significance for Hereditary cancer-predisposing syndrome. Last evaluated: 2026-06-16. Review status: criteria provided, single submitter. Criteria: Ambry Variant Classification Scheme 2023. Collection method: clinical testing. Allele origin: germline.
Comment: The p.I244S variant (also known as c.731T>G), located in coding exon 6 of the SDHA gene, results from a T to G substitution at nucleotide position 731. The isoleucine at codon 244 is replaced by serine, an amino acid with dissimilar properties. This amino acid position is highly conserved in available vertebrate species. In addition, this alteration is predicted to be deleterious by in silico analysis. Based on the available evidence, the clinical significance of this variant remains unclear.